The following is an entry in ClinVar:

ClinVar aggregate classification (germline): Likely pathogenic (1 of 4 stars; one submission).

Conditions:
X-linked severe combined immunodeficiency (SCIDX1). Also called: T-B+ severe combined immunodeficiency due to gamma chain deficiency; IMMUNODEFICIENCY 4; X-Linked Combined Immunodeficiency Diseases; SCID, X-LINKED; SEVERE COMBINED IMMUNODEFICIENCY, X-LINKED, T CELL-NEGATIVE, B CELL-POSITIVE, NK CELL-NEGATIVE. Identifiers: Orphanet 276, MedGen C6022468, MONDO:0010315, OMIM 300400. Disease mechanism: loss of function.

Submission:

Labcorp Genetics (formerly Invitae), Labcorp
Classification: Likely pathogenic for X-linked severe combined immunodeficiency. Last evaluated: 2016-07-11. Review status: criteria provided, single submitter. Criteria: Invitae Variant Classification Sherloc (09022015). Collection method: clinical testing. Allele origin: germline.
Comment: In summary, this is a rare missense variant that is absent from the general population, has been found in an affected individual that showed a decrease in the IL2 receptor function and alters a cysteine residue that is probably important for protein structure. Although all the evidence recorded indicates that this variant is deleterious, in the absence of segregation data it has been classified as Likely Pathogenic. The cysteine replaced is conserved in all of the members of the cytokine I receptor family and is thought to provide strong spatial constraints for tertiary folding through disulfide bonding (PMID: 2169613, 9058718). In addition, variants within exons 2,3 of the IL2RG gene that substitute or generate cysteine residues are overrepresented among patients with SCID (PMID: 8961626). A B-lymphoblastoid cell line generated from patient blood cells showed a reduction in their affinity for IL-2 compared with WT, suggesting that p.Cys115Tyr has a profound impact on protein function (PMID: 8299698). This variant has been reported in an individual affected with severe combined immunodeficiency (SCID) (PMID: 8299698). This variant is also known as Cys93Tyr in the literature. This variant is not present in population databases (ExAC no frequency). This sequence change replaces cysteine with tyrosine at codon 115 of the IL2RG protein (p.Cys115Tyr). The cysteine residue is highly conserved and there is a large physicochemical difference between cysteine and tyrosine.

Literature cited by the submitters: PubMed 2169613; PubMed 9058718; PubMed 8961626; PubMed 8299698.

NM_000206.3(IL2RG):c.344G>A (p.Cys115Tyr)

Gene: IL2RG (interleukin 2 receptor subunit gamma; minus strand). Cytogenetic location: Xq13.1.
Variant type: single nucleotide variant.
Coding change: c.344G>A on transcript NM_000206.3 (MANE Select); coding-DNA position 344, G replaced by A.
Protein change: p.Cys115Tyr; replaces cysteine 115 with tyrosine.
Molecular consequence: missense variant.
Genome position (GRCh38, 1-based): chrX:71,110,614, C>T on the plus strand (G>A on the coding strand, the complement: IL2RG is on the minus strand). VCF-style: chrX-71110614-C-T. GRCh37 (hg19) VCF-style: chrX-70330464-C-T.
Other names: short protein forms C115Y.
Identifiers: ClinVar variation 463381 (VCV000463381.8), dbSNP rs1556330755, ClinGen allele CA413496775.